The following is an entry in ClinVar:

ClinVar aggregate classification (germline): Pathogenic (1 of 4 stars; one submission).

Submission:

GeneDx
Classification: Pathogenic. Last evaluated: 2016-08-03. Review status: criteria provided, single submitter. Criteria: GeneDx Variant Classification (06012015). Collection method: clinical testing. Allele origin: germline. Affected: yes.
Comment: The c.4416delG pathogenic variant in the ATM gene has not been reported previously as a pathogenic variant nor as a benign variant, to our knowledge. This variant causes a frameshift starting with codon Isoleucine 1473, changes this amino acid to a Phenylalanine residue, and creates a premature Stop codon at position 26 of the new reading frame, denoted p.Ile1473PhefsX26. This variant is predicted to cause loss of normal protein function either through protein truncation or nonsense-mediated mRNA decay. The c.4416delG variant was not observed in approximately 6500 individuals of European and African American ancestry in the NHLBI Exome Sequencing Project, indicating it is not a common benign variant in these populations. We interpret c.4416delG as a pathogenic variant.

NM_000051.4(ATM):c.4416del (p.Ile1473fs)

Gene: ATM (ATM serine/threonine kinase; plus strand). Cytogenetic location: 11q22.3.
Variant type: Deletion.
Coding change: c.4416del on transcript NM_000051.4 (MANE Select); coding-DNA position 4416, one base deleted (G; older notation c.4416delG).
Protein change: p.Ile1473fs; shifts the reading frame from isoleucine 1473.
Molecular consequence: frameshift variant.
Genome position (GRCh38, 1-based): chr11:108,289,781, G deleted. VCF-style (leftmost placement, unchanged base first): chr11-108289780-TG-T. GRCh37 (hg19) VCF-style: chr11-108160507-TG-T.
Other names: c.4416del, p.Ile1473fs (NM_001351834.2); c.4416delG (NM_000051.3); short protein forms I1473fs.
Identifiers: ClinVar variation 265649 (VCV000265649.2), dbSNP rs886039697, ClinGen allele CA10588500.